The following is an entry in ClinVar:

ClinVar aggregate classification (germline): Uncertain significance (1 of 4 stars; one submission).

Submission:

Labcorp Genetics (formerly Invitae), Labcorp
Classification: Uncertain significance. Last evaluated: 2024-10-26. Review status: criteria provided, single submitter. Criteria: Invitae Variant Classification Sherloc (09022015). Collection method: clinical testing. Allele origin: germline.
Comment: This sequence change replaces alanine, which is neutral and non-polar, with aspartic acid, which is acidic and polar, at codon 527 of the DNM1L protein (p.Ala527Asp). This variant is not present in population databases (gnomAD no frequency). This variant has not been reported in the literature in individuals affected with DNM1L-related conditions. ClinVar contains an entry for this variant (Variation ID: 2111672). An algorithm developed to predict the effect of missense changes on protein structure and function (PolyPhen-2) suggests that this variant is likely to be tolerated. In summary, the available evidence is currently insufficient to determine the role of this variant in disease. Therefore, it has been classified as a Variant of Uncertain Significance.

NM_012062.5(DNM1L):c.1580C>A (p.Ala527Asp)

Gene: DNM1L (dynamin 1 like; plus strand). Cytogenetic location: 12p11.21.
Variant type: single nucleotide variant.
Coding change: c.1580C>A on transcript NM_012062.5 (MANE Select); coding-DNA position 1580, C replaced by A.
Protein change: p.Ala527Asp; replaces alanine 527 with aspartic acid.
Molecular consequence: missense variant.
Genome position (GRCh38, 1-based): chr12:32,737,145, C>A. VCF-style: chr12-32737145-C-A. GRCh37 (hg19) VCF-style: chr12-32890079-C-A.
Other names: c.1580C>A, p.Ala527Asp (NM_001278463.2, NM_005690.5, NM_012063.4); c.1619C>A, p.Ala540Asp (NM_001278464.2, NM_001278465.2, NM_001330380.2); c.971C>A, p.Ala324Asp (NM_001278466.2); short protein forms A324D, A540D, A527D.
Identifiers: ClinVar variation 2111672 (VCV002111672.4), dbSNP rs1466811479, ClinGen allele CA384360747.